The following is an entry in ClinVar:

NM_004360.5(CDH1):c.187C>T (p.Arg63Ter)

Gene: CDH1 (cadherin 1; plus strand). Cytogenetic location: 16q22.1.
Variant type: single nucleotide variant.
Coding change: c.187C>T on transcript NM_004360.5 (MANE Select); coding-DNA position 187, C replaced by T.
Protein change: p.Arg63Ter; replaces arginine 63 with a stop codon.
Molecular consequence: nonsense. On other transcripts: 5 prime UTR variant (2).
Genome position (GRCh38, 1-based): chr16:68,801,693, C>T. VCF-style: chr16-68801693-C-T. GRCh37 (hg19) VCF-style: chr16-68835596-C-T.
Other names: NM_004360.4(CDH1):c.187C>T; c.187C>T (LRG_301t1, NM_004360.4); c.187C>T, p.Arg63Ter (NM_001317184.2); c.-1429C>T (NM_001317185.2); c.-1633C>T (NM_001317186.2); short protein forms R63*.
Identifiers: ClinVar variation 156496 (VCV000156496.25), dbSNP rs587783047, ClinGen allele CA333496.
Genomic context (GRCh38, chr16:68,801,693, plus strand): 5'-GTCCAATTTCCTAATCTCTGTGATTTCTGCCCTGCAGTGAATTTTGAAGATTGCACCGGT[C>T]GACAAAGGACAGCCTATTTTTCCCTCGACACCCGATTCAAAGTGGGCACAGATGGTGTGA-3'

ClinVar aggregate classification (germline): Pathogenic. Review status: reviewed by expert panel (3 of 4 stars). 6 submissions from 6 submitters: Pathogenic (1). 5 of the submissions do not count toward it. Last evaluated 2023-08-29.
ClinVar aggregate classification (oncogenicity): Oncogenic (1 of 4 stars; one submission).

Conditions:
Hereditary cancer-predisposing syndrome. Also called: Tumor predisposition; Neoplastic Syndromes, Hereditary; Hereditary neoplastic syndrome; Hereditary Cancer Syndrome. Identifiers: Orphanet 140162, MedGen C0027672, MeSH D009386, MONDO:0015356.
CDH1-related diffuse gastric and lobular breast cancer syndrome. Also called: CDH1-related diffuse gastric and lobular breast cancer. Identifiers: MedGen CN311521, MONDO:0100488.
Hereditary diffuse gastric adenocarcinoma (HDGC). Also called: DIFFUSE GASTRIC AND LOBULAR BREAST CANCER SYNDROME. Identifiers: Orphanet 26106, MedGen C1708349, MONDO:0007648, OMIM 137215.
Neoplasm. Also called: Neoplasms; Neoplasm (disease); tumor. Identifiers: MedGen C0027651, MeSH D009369, MONDO:0005070, HP:0002664.

Allele frequency attached by ClinVar (database versions not stated): gnomAD exomes below 0.00001.
gnomAD v4.1: 1 of 1,613,968 alleles (0.000062%); highest among the groups gnomAD compares: Non-Finnish European, 0.000085%; no homozygotes.

Submissions (7):

Clingen Gastric Cancer Variant Curation Expert Panel
Classification: Pathogenic for CDH1-related diffuse gastric and lobular breast cancer syndrome. Last evaluated: 2023-08-29. Review status: reviewed by expert panel. Criteria: ClinGen CDH1 ACMG Specifications V3.1. Collection method: curation. Allele origin: germline. Inheritance: Autosomal dominant inheritance.
Comment: The c.187C>T (p.Arg63*) variant is predicted to result in a premature stop codon that leads to a truncated or absent protein (PVS1, PM5_Supporting). This variant is absent in the gnomAD cohort (PM2_Supporting). The variant has been reported in at least one family meeting HDGC clinical criteria (PS4_Supporting; PMID: 9751616). In summary, this variant meets criteria to be classified as pathogenic based on the ACMG/AMP criteria applied as specified by the CDH1 Variant Curation Expert Panel (Variant Interpretation Guidelines Version 3.1): PVS1, PM2_Supporting, PS4_Supporting, PM5_Supporting.

Center for Genomic Medicine, Rigshospitalet, Copenhagen University Hospital
Classification: Oncogenic for Neoplasm. Last evaluated: 2025-12-29. Review status: criteria provided, single submitter. Criteria: ClinGen/CGC/VICC Guidelines for Oncogenicity, 2022. Collection method: clinical testing. Allele origin: somatic. Affected: yes.

Labcorp Genetics (formerly Invitae), Labcorp
Classification: Pathogenic for Hereditary diffuse gastric adenocarcinoma. Last evaluated: 2025-10-19. Review status: criteria provided, single submitter. Criteria: Invitae Variant Classification Sherloc (09022015). Collection method: clinical testing. Allele origin: germline. Not counted in ClinVar's aggregate classification.
Comment: This sequence change creates a premature translational stop signal (p.Arg63*) in the CDH1 gene. It is expected to result in an absent or disrupted protein product. Loss-of-function variants in CDH1 are known to be pathogenic (PMID: 15235021, 20373070). This variant is not present in population databases (gnomAD no frequency). This premature translational stop signal has been observed in individual(s) with hereditary diffuse gastric cancer (PMID: 9751616, 22020549, 24493355). It has also been observed to segregate with disease in related individuals. ClinVar contains an entry for this variant (Variation ID: 156496). For these reasons, this variant has been classified as Pathogenic.

Myriad Genetics, Inc.
Classification: Pathogenic for Hereditary diffuse gastric adenocarcinoma. Last evaluated: 2023-06-08. Review status: criteria provided, single submitter. Criteria: Myriad Autosomal Dominant, Autosomal Recessive and X-Linked Classification Criteria (2023). Collection method: clinical testing. Allele origin: unknown. Not counted in ClinVar's aggregate classification.
Comment: This variant is considered pathogenic. This variant creates a termination codon and is predicted to result in premature protein truncation.

Ambry Genetics
Classification: Pathogenic for Hereditary cancer-predisposing syndrome. Last evaluated: 2023-06-05. Review status: criteria provided, single submitter. Criteria: Ambry Variant Classification Scheme 2023. Collection method: clinical testing. Allele origin: germline. Not counted in ClinVar's aggregate classification.
Comment: The p.R63* pathogenic mutation (also known as c.187C>T), located in coding exon 3 of the CDH1 gene, results from a C to T substitution at nucleotide position 187. This changes the amino acid from an arginine to a stop codon within coding exon 3. This mutation has been reported in families with diffuse gastric cancer and/or lobular breast cancer (Gayther SA et al. Cancer Res. 1998 Sep 15;58(18):4086-9; Suriano G et al. Clin Cancer Res. 2005 Aug 1;11(15):5401-9). In addition to the clinical data presented in the literature, this alteration is expected to result in loss of function by premature protein truncation or nonsense-mediated mRNA decay. As such, this alteration is interpreted as a disease-causing mutation.

European Reference Network on Genetic Tumour Risk Syndromes (ERN-GENTURIS), i3s - Instituto de Investigação e Inovação em Saúde, University of Porto
Classification: Pathogenic for Hereditary diffuse gastric adenocarcinoma. Last evaluated: 2022-08-01. Review status: criteria provided, single submitter. Criteria: Lee et al. (Hum Mutat. 2018). Collection method: clinical testing. Allele origin: germline. Inheritance: Autosomal dominant inheritance. Affected: yes. Study: ERN GENTURIS. Not counted in ClinVar's aggregate classification.
Comment: PVS1; PS4; PM2 (PMID: 30311375)

Pathway Genomics
Classification: Pathogenic for Hereditary diffuse gastric cancer. Last evaluated: 2014-07-24. Review status: no assertion criteria provided. Collection method: clinical testing. Allele origin: germline. Not counted in ClinVar's aggregate classification.

Literature cited by the submitters: PubMed 9751616 (cited by Clingen Gastric Cancer Variant Curation Expert Panel and Labcorp Genetics (formerly Invitae), Labcorp); PubMed 15235021 (cited by Labcorp Genetics (formerly Invitae), Labcorp); PubMed 20373070 (cited by Labcorp Genetics (formerly Invitae), Labcorp); PubMed 22020549 (cited by Labcorp Genetics (formerly Invitae), Labcorp); PubMed 24493355 (cited by Labcorp Genetics (formerly Invitae), Labcorp and Ambry Genetics); PubMed 30093976 (cited by Ambry Genetics); PubMed 30542785 (cited by Ambry Genetics); PubMed 30745422 (cited by Ambry Genetics); PubMed 36436516 (cited by European Reference Network on Genetic Tumour Risk Syndromes (ERN-GENTURIS), i3s - Instituto de Investigação e Inovação em Saúde, University of Porto).